The following is an entry in ClinVar:

NM_018124.4(RFWD3):c.1996G>A (p.Val666Met)

Gene: RFWD3 (ring finger and WD repeat domain 3; minus strand). Cytogenetic location: 16q23.1.
Variant type: single nucleotide variant.
Coding change: c.1996G>A on transcript NM_018124.4 (MANE Select); coding-DNA position 1996, G replaced by A.
Protein change: p.Val666Met; replaces valine 666 with methionine.
Molecular consequence: missense variant.
Genome position (GRCh38, 1-based): chr16:74,626,528, C>T on the plus strand (G>A on the coding strand, the complement: RFWD3 is on the minus strand). VCF-style: chr16-74626528-C-T. GRCh37 (hg19) VCF-style: chr16-74660426-C-T.
Other names: c.1996G>A, p.Val666Met (NM_001370534.1, NM_001370535.1); c.1819G>A, p.Val607Met (NM_001370536.1); c.1162G>A, p.Val388Met (NM_001370537.1, NM_001370539.1, NM_001370540.1 and 3 more transcripts); short protein forms V388M, V607M, V666M.
Identifiers: ClinVar variation 2068551 (VCV002068551.4), dbSNP rs1175256500, ClinGen allele CA396759556.

ClinVar aggregate classification (germline): Uncertain significance (1 of 4 stars; one submission).

Allele frequency attached by ClinVar (database versions not stated): gnomAD exomes below 0.00001; gnomAD 0.00001.
gnomAD v4.1: 2 of 1,613,908 alleles (0.00012%); highest among the groups gnomAD compares: East Asian, 0.0022%; no homozygotes.

Submission:

Labcorp Genetics (formerly Invitae), Labcorp
Classification: Uncertain significance. Last evaluated: 2022-06-10. Review status: criteria provided, single submitter. Criteria: Invitae Variant Classification Sherloc (09022015). Collection method: clinical testing. Allele origin: germline.
Comment: In summary, the available evidence is currently insufficient to determine the role of this variant in disease. Therefore, it has been classified as a Variant of Uncertain Significance. Algorithms developed to predict the effect of missense changes on protein structure and function are either unavailable or do not agree on the potential impact of this missense change (SIFT: "Deleterious"; PolyPhen-2: "Benign"; Align-GVGD: "Class C0"). This variant has not been reported in the literature in individuals affected with RFWD3-related conditions. This variant is present in population databases (no rsID available, gnomAD 0.006%). This sequence change replaces valine, which is neutral and non-polar, with methionine, which is neutral and non-polar, at codon 666 of the RFWD3 protein (p.Val666Met).